The following is an entry in ClinVar:

ClinVar aggregate classification (germline): Uncertain significance (1 of 4 stars; one submission).

Conditions:
Leber congenital amaurosis 3 (LCA3). Also called: SPATA7-Related Retinitis Pigmentosa. Identifiers: MedGen C1858677, MONDO:0011415, OMIM 604232.

Allele frequency attached by ClinVar (database versions not stated): TOPMed below 0.00001.

Submission:

Labcorp Genetics (formerly Invitae), Labcorp
Classification: Uncertain significance for Leber congenital amaurosis 3. Last evaluated: 2022-08-09. Review status: criteria provided, single submitter. Criteria: Invitae Variant Classification Sherloc (09022015). Collection method: clinical testing. Allele origin: germline.
Comment: In summary, the available evidence is currently insufficient to determine the role of this variant in disease. Therefore, it has been classified as a Variant of Uncertain Significance. Algorithms developed to predict the effect of missense changes on protein structure and function (SIFT, PolyPhen-2, Align-GVGD) all suggest that this variant is likely to be tolerated. This variant has not been reported in the literature in individuals affected with SPATA7-related conditions. This variant is not present in population databases (gnomAD no frequency). This sequence change replaces glutamic acid, which is acidic and polar, with lysine, which is basic and polar, at codon 490 of the SPATA7 protein (p.Glu490Lys).

NM_018418.5(SPATA7):c.1468G>A (p.Glu490Lys)

Gene: SPATA7 (spermatogenesis associated 7; plus strand). Cytogenetic location: 14q31.3.
Variant type: single nucleotide variant.
Coding change: c.1468G>A on transcript NM_018418.5 (MANE Select); coding-DNA position 1468, G replaced by A.
Protein change: p.Glu490Lys; replaces glutamic acid 490 with lysine.
Molecular consequence: missense variant.
Genome position (GRCh38, 1-based): chr14:88,438,090, G>A. VCF-style: chr14-88438090-G-A. GRCh37 (hg19) VCF-style: chr14-88904434-G-A.
Other names: c.1372G>A, p.Glu458Lys (NM_001040428.4); short protein forms E490K, E458K.
Identifiers: ClinVar variation 2056410 (VCV002056410.4), dbSNP rs2077141049, ClinGen allele CA390572103.